The following is an entry in ClinVar:

NM_001277313.2(FMN1):c.668A>G (p.Asn223Ser)

Gene: FMN1 (formin 1; minus strand). Cytogenetic location: 15q13.3.
Variant type: single nucleotide variant.
Coding change: c.668A>G on transcript NM_001277313.2 (MANE Select); coding-DNA position 668, A replaced by G.
Protein change: p.Asn223Ser; replaces asparagine 223 with serine.
Molecular consequence: missense variant.
Genome position (GRCh38, 1-based): chr15:33,154,247, T>C on the plus strand (A>G on the coding strand, the complement: FMN1 is on the minus strand). VCF-style: chr15-33154247-T-C. GRCh37 (hg19) VCF-style: chr15-33446448-T-C.
Other names: c.668A>G, p.Asn223Ser (NM_001277314.2); short protein forms N223S.
Identifiers: ClinVar variation 3687364 (VCV003687364.2).
Genomic context (GRCh38, chr15:33,154,247, plus strand): 5'-GTCTTGGGAATATCTGGGGGGCAGCTCTCTCTCCTCTGCAGGGAGCAGGCAAGTGCCCCA[T>C]TCGGGAGCAGATTTCCTTTCTCCTCTAGTACCCAAAGGTTAGGCCTTGTTCTAGAAAGAG-3'
Protein context (NP_001264242.1, residues 213-233): VLEEKGNLLP[Asn223Ser]GALACSLQRR

ClinVar aggregate classification (germline): Uncertain significance (1 of 4 stars; one submission).

gnomAD v4.1: 6 of 1,536,188 alleles (0.00039%); highest among the groups gnomAD compares: Non-Finnish European, 0.00052%; no homozygotes.

Submission:

Labcorp Genetics (formerly Invitae), Labcorp
Classification: Uncertain significance. Last evaluated: 2024-11-25. Review status: criteria provided, single submitter. Criteria: Invitae Variant Classification Sherloc (09022015). Collection method: clinical testing. Allele origin: germline.
Comment: The FMN1 gene has multiple clinically relevant transcripts. This variant occurs in alternate transcript NM_001277314.1, and corresponds to NM_001103184.3:c.-86363A>G in the primary transcript. This sequence change replaces asparagine, which is neutral and polar, with serine, which is neutral and polar, at codon 223 of the FMN1 protein (p.Asn223Ser). This variant is present in population databases (rs780699031, gnomAD 0.002%). This variant has not been reported in the literature in individuals affected with FMN1-related conditions. Experimental studies and prediction algorithms are not available or were not evaluated, and the functional significance of this variant is currently unknown. In summary, the available evidence is currently insufficient to determine the role of this variant in disease. Therefore, it has been classified as a Variant of Uncertain Significance.